The following is an entry in ClinVar:

ClinVar aggregate classification (germline): Uncertain significance (1 of 4 stars; one submission).

Conditions:
Leigh syndrome (NULS). Also called: Leigh's necrotizing encephalopathy; Leigh's disease; Leigh Syndrome (mtDNA deletion); Leigh Disease; Subacute necrotizing encephalopathy; Necrotizing encephalopathy infantile subacute of Leigh. Identifiers: Orphanet 506, MedGen C2931891, MONDO:0009723, OMIM 256000.

Submission:

Wong Mito Lab, Molecular and Human Genetics, Baylor College of Medicine
Classification: Uncertain significance for Leigh syndrome. Last evaluated: 2019-10-17. Review status: criteria provided, single submitter. Criteria: Modified ACMG Guidelines (Unpublished). Collection method: clinical testing. Allele origin: germline.
Comment: The NC_012920.1:m.5047T>C (YP_003024027.1:p.Val193Ala) variant in MTND2 gene is interpretated to be a Uncertain Significance variant based on the modified ACMG guidelines (unpublished). This variant meets the following evidence codes: PP7

NC_012920.1(MT-ND2):m.5047T>C

Gene: MT-ND2 (mitochondrially encoded NADH dehydrogenase 2; plus strand).
Variant type: single nucleotide variant.
Genome position: chrM-5047-T-C.
Identifiers: ClinVar variation 692537 (VCV000692537.1), dbSNP rs1603219746, ClinGen allele CA414778653.